The following is an entry in ClinVar:

NM_003098.3(SNTA1):c.40G>A (p.Glu14Lys)

Genes: SNTA1 (syntrophin alpha 1; minus strand), LOC130065680 (ATAC-STARR-seq lymphoblastoid silent region 12812; plus strand). Cytogenetic location: 20q11.21.
Variant type: single nucleotide variant.
Coding change: c.40G>A on transcript NM_003098.3 (MANE Select); coding-DNA position 40, G replaced by A.
Protein change: p.Glu14Lys; replaces glutamic acid 14 with lysine.
Molecular consequence: missense variant.
Genome position (GRCh38, 1-based): chr20:33,443,581, C>T on the plus strand (G>A on the coding strand, the complement: SNTA1 is on the minus strand). VCF-style: chr20-33443581-C-T. GRCh37 (hg19) VCF-style: chr20-32031387-C-T.
Other names: p.E14K:GAG>AAG; short protein forms E14K.
Identifiers: ClinVar variation 190932 (VCV000190932.17), dbSNP rs786205846, ClinGen allele CA302321.

ClinVar aggregate classification (germline): Conflicting classifications of pathogenicity. Review status: criteria provided, conflicting classifications (1 of 4 stars). 5 submissions from 5 submitters: Uncertain significance (4); Likely benign (1). Last evaluated 2025-10-22.

Conditions:
Cardiovascular phenotype. Identifiers: MedGen CN230736.
Long QT syndrome (LQTS). Identifiers: MedGen C0023976, MeSH D008133, MONDO:0002442. Disease mechanism: loss of function. Inheritance: Various modes of inheritance.
Long QT syndrome 12 (LQT12). Identifiers: Orphanet 101016, Orphanet 768, MedGen C2751830, MONDO:0013062, OMIM 612955.

Allele frequency attached by ClinVar (database versions not stated): gnomAD 0.00014; TOPMed 0.00014; 1000 Genomes Project 30x 0.00016; gnomAD exomes 0.00020.
gnomAD v4.1: 155 of 1,282,072 alleles (0.012%); highest among the groups gnomAD compares: Middle Eastern, 0.06%; no homozygotes.

Submissions (5):

Labcorp Genetics (formerly Invitae), Labcorp
Classification: Uncertain significance for Long QT syndrome. Last evaluated: 2025-10-22. Review status: criteria provided, single submitter. Criteria: Invitae Variant Classification Sherloc (09022015). Collection method: clinical testing. Allele origin: germline.
Comment: This sequence change replaces glutamic acid, which is acidic and polar, with lysine, which is basic and polar, at codon 14 of the SNTA1 protein (p.Glu14Lys). This variant is present in population databases (rs786205846, gnomAD 0.05%). This missense change has been observed in individual(s) with long QT syndrome (PMID: 34546463). ClinVar contains an entry for this variant (Variation ID: 190932). An algorithm developed to predict the effect of missense changes on protein structure and function (PolyPhen-2) suggests that this variant is likely to be disruptive. In summary, the available evidence is currently insufficient to determine the role of this variant in disease. Therefore, it has been classified as a Variant of Uncertain Significance.

Women's Health and Genetics/Laboratory Corporation of America, LabCorp
Classification: Uncertain significance. Last evaluated: 2025-04-04. Review status: criteria provided, single submitter. Criteria: LabCorp Variant Classification Summary - May 2015. Collection method: clinical testing. Allele origin: germline.
Comment: Variant summary: SNTA1 c.40G>A (p.Glu14Lys) results in a conservative amino acid change in the encoded protein sequence. Three of five in-silico tools predict a benign effect of the variant on protein function. The variant allele was found at a frequency of 0.0002 in 40454 control chromosomes. The available data on variant occurrences in the general population are insufficient to allow any conclusion about variant significance. c.40G>A has been reported in the literature in individuals affected with Long QT Syndrome (example: Sarquella-Brugada_2022) . These report(s) do not provide unequivocal conclusions about association of the variant with Long QT Syndrome. To our knowledge, no experimental evidence demonstrating an impact on protein function has been reported. The following publication has been ascertained in the context of this evaluation (PMID: 34546463). ClinVar contains an entry for this variant (Variation ID: 190932). Based on the evidence outlined above, the variant was classified as uncertain significance.

Ambry Genetics
Classification: Likely benign for Cardiovascular phenotype. Last evaluated: 2023-07-24. Review status: criteria provided, single submitter. Criteria: Ambry Variant Classification Scheme 2023. Collection method: clinical testing. Allele origin: germline.

Fulgent Genetics
Classification: Uncertain significance for Long QT syndrome 12. Last evaluated: 2021-12-15. Review status: criteria provided, single submitter. Criteria: ACMG Guidelines, 2015. Collection method: clinical testing. Allele origin: unknown.

GeneDx
Classification: Uncertain significance. Last evaluated: 2018-03-19. Review status: criteria provided, single submitter. Criteria: GeneDx Variant Classification (06012015). Collection method: clinical testing. Allele origin: germline. Affected: yes.
Comment: The Glu14Lys variant in the SNTA1 gene has not been reported as a disease-causing mutation or as a benign polymorphism to our knowledge. Glu14Lys results in a non-conservative amino acid substitution of a negatively charged Glutamic acid residue with a positively charged Histidine residue at a position that is conserved across species. However, no mutations have been reported in association with LQTS in nearby residues indicating this region of the protein may be tolerant of change. With the clinical and molecular information available at this time, we cannot definitively determine if Glu14Lys is a disease-causing mutation or a rare benign variant.

Literature cited by the submitters: PubMed 34546463 (cited by Labcorp Genetics (formerly Invitae), Labcorp and Women's Health and Genetics/Laboratory Corporation of America, LabCorp).